The following is an entry in ClinVar:

ClinVar aggregate classification (germline): Uncertain significance. Review status: criteria provided, multiple submitters, no conflicts (2 of 4 stars). 2 submissions from 2 submitters: Uncertain significance (2). Last evaluated 2025-06-12.

Conditions:
Neurohypophyseal diabetes insipidus. Also called: DIABETES INSIPIDUS, PRIMARY CENTRAL; Hereditary arginine vasopressin deficiency; Diabetes Insipidus, Neurogenic. Identifiers: Orphanet 178029, Orphanet 30925, MedGen C0342394, MONDO:0007450, OMIM 125700.

Allele frequency attached by ClinVar (database versions not stated): gnomAD exomes 0.00001; TOPMed 0.00014; gnomAD 0.00015; 1000 Genomes Project 0.00040; 1000 Genomes Project 30x 0.00047.
gnomAD v4.1: 43 of 1,290,444 alleles (0.0033%); highest among the groups gnomAD compares: African/African-American, 0.05%; no homozygotes.

Submissions (2):

Labcorp Genetics (formerly Invitae), Labcorp
Classification: Uncertain significance. Last evaluated: 2025-06-12. Review status: criteria provided, single submitter. Criteria: Invitae Variant Classification Sherloc (09022015). Collection method: clinical testing. Allele origin: germline.
Comment: This sequence change replaces alanine, which is neutral and non-polar, with valine, which is neutral and non-polar, at codon 141 of the AVP protein (p.Ala141Val). This variant is present in population databases (rs566930108, gnomAD 0.06%), and has an allele count higher than expected for a pathogenic variant. This variant has not been reported in the literature in individuals affected with AVP-related conditions. ClinVar contains an entry for this variant (Variation ID: 2896713). An algorithm developed to predict the effect of missense changes on protein structure and function (PolyPhen-2) suggests that this variant is likely to be tolerated. In summary, the available evidence is currently insufficient to determine the role of this variant in disease. Therefore, it has been classified as a Variant of Uncertain Significance.

Fulgent Genetics
Classification: Uncertain significance for Neurohypophyseal diabetes insipidus. Last evaluated: 2024-04-09. Review status: criteria provided, single submitter. Criteria: ACMG Guidelines, 2015. Collection method: clinical testing. Allele origin: germline.

NM_000490.5(AVP):c.422C>T (p.Ala141Val)

Gene: AVP (arginine vasopressin; minus strand). Cytogenetic location: 20p13.
Variant type: single nucleotide variant.
Coding change: c.422C>T on transcript NM_000490.5 (MANE Select); coding-DNA position 422, C replaced by T.
Protein change: p.Ala141Val; replaces alanine 141 with valine.
Molecular consequence: missense variant.
Genome position (GRCh38, 1-based): chr20:3,082,703, G>A on the plus strand (C>T on the coding strand, the complement: AVP is on the minus strand). VCF-style: chr20-3082703-G-A. GRCh37 (hg19) VCF-style: chr20-3063349-G-A.
Other names: short protein forms A141V.
Identifiers: ClinVar variation 2896713 (VCV002896713.4), dbSNP rs566930108, ClinGen allele CA310942881.
Genomic context (GRCh38, chr20:3,082,703, plus strand): 5'-GGCTGGGCGGGCTCGAAGGGCTCGGGCGCCCCGGCCAGCTGCACCAGCCGCAGCAGCAAG[G>A]CCCCGGCCGGCCCGTCCAGCTGCGTGGCGTTGCTCCGGTCGCTGGCGCGGGCGCGGCGGT-3'
Protein context (NP_000481.2, residues 131-151): NATQLDGPAG[Ala141Val]LLLRLVQLAG